The following is an entry in ClinVar:

ClinVar aggregate classification (germline): Uncertain significance. Review status: criteria provided, multiple submitters, no conflicts (2 of 4 stars). 2 submissions from 2 submitters: Uncertain significance (2). Last evaluated 2024-07-10.

gnomAD v4.1: 1 of 1,211,645 alleles (0.000083%); highest among the groups gnomAD compares: Admixed American, 0.0022%; no homozygotes.

Submissions (2):

Women's Health and Genetics/Laboratory Corporation of America, LabCorp
Classification: Uncertain significance. Last evaluated: 2024-07-10. Review status: criteria provided, single submitter. Criteria: LabCorp Variant Classification Summary - May 2015. Collection method: clinical testing. Allele origin: germline.
Comment: Variant summary: RS1 c.621C>A (p.His207Gln) results in a non-conservative amino acid change located in the Coagulation factor 5/8 C-terminal domain (IPR000421) of the encoded protein sequence. Four of five in-silico tools predict a damaging effect of the variant on protein function. The variant allele was found at a frequency of 5.5e-06 in 183177 control chromosomes. The available data on variant occurrences in the general population are insufficient to allow any conclusion about variant significance. To our knowledge, no occurrence of c.621C>A in individuals affected with Juvenile Retinoschisis and no experimental evidence demonstrating its impact on protein function have been reported. ClinVar contains an entry for this variant (Variation ID: 3016839). Based on the evidence outlined above, the variant was classified as uncertain significance.

Labcorp Genetics (formerly Invitae), Labcorp
Classification: Uncertain significance. Last evaluated: 2024-01-20. Review status: criteria provided, single submitter. Criteria: Invitae Variant Classification Sherloc (09022015). Collection method: clinical testing. Allele origin: germline.
Comment: This sequence change replaces histidine, which is basic and polar, with glutamine, which is neutral and polar, at codon 207 of the RS1 protein (p.His207Gln). This variant is present in population databases (no rsID available, gnomAD 0.004%). This missense change has been observed in individual(s) with retinoschisis (PMID: 9618178). Advanced modeling of protein sequence and biophysical properties (such as structural, functional, and spatial information, amino acid conservation, physicochemical variation, residue mobility, and thermodynamic stability) has been performed at Invitae for this missense variant, however the output from this modeling did not meet the statistical confidence thresholds required to predict the impact of this variant on RS1 protein function. Experimental studies are conflicting or provide insufficient evidence to determine the effect of this variant on RS1 function (PMID: 16361673, 30040949). This variant disrupts the p.His207 amino acid residue in RS1. Other variant(s) that disrupt this residue have been determined to be pathogenic (PMID: 9324861, 28848025; Invitae). This suggests that this residue is clinically significant, and that variants that disrupt this residue are likely to be disease-causing. In summary, the available evidence is currently insufficient to determine the role of this variant in disease. Therefore, it has been classified as a Variant of Uncertain Significance.

Literature cited by the submitters: PubMed 9618178 (cited by Labcorp Genetics (formerly Invitae), Labcorp); PubMed 16361673 (cited by Labcorp Genetics (formerly Invitae), Labcorp); PubMed 30040949 (cited by Labcorp Genetics (formerly Invitae), Labcorp); PubMed 9324861 (cited by Labcorp Genetics (formerly Invitae), Labcorp); PubMed 28848025 (cited by Labcorp Genetics (formerly Invitae), Labcorp).

NM_000330.4(RS1):c.621C>A (p.His207Gln)

Genes: CDKL5 (cyclin dependent kinase like 5; plus strand), RS1 (retinoschisin 1; minus strand). Cytogenetic location: Xp22.13.
Variant type: single nucleotide variant.
Coding change: c.621C>A on transcript NM_000330.4 (MANE Select); coding-DNA position 621, C replaced by A.
Protein change: p.His207Gln; replaces histidine 207 with glutamine.
Molecular consequence: missense variant. On other transcripts: intron variant (2).
Genome position (GRCh38, 1-based): chrX:18,642,058, G>T on the plus strand (C>A on the coding strand, the complement: RS1 is on the minus strand). VCF-style: chrX-18642058-G-T. GRCh37 (hg19) VCF-style: chrX-18660178-G-T.
Other names: c.2714-3949G>T (NM_003159.3, NM_001037343.2); short protein forms H207Q.
Identifiers: ClinVar variation 3016839 (VCV003016839.4), dbSNP rs281865360, ClinGen allele CA412370208.